The following is an entry in ClinVar:

NM_017433.5(MYO3A):c.1743G>A (p.Glu581=)

Gene: MYO3A (myosin IIIA; plus strand). Cytogenetic location: 10p12.1.
Variant type: single nucleotide variant.
Coding change: c.1743G>A on transcript NM_017433.5 (MANE Select); coding-DNA position 1743, G replaced by A.
Protein change: p.Glu581=; no amino-acid change (glutamic acid 581 retained).
Molecular consequence: synonymous variant.
Genome position (GRCh38, 1-based): chr10:26,096,649, G>A. VCF-style: chr10-26096649-G-A. GRCh37 (hg19) VCF-style: chr10-26385578-G-A.
Other names: p.Glu581=.
Identifiers: ClinVar variation 45801 (VCV000045801.20), dbSNP rs41279908, ClinGen allele CA137065.
Genomic context (GRCh38, chr10:26,096,649, plus strand): 5'-CAGAACAGTACAAGACATCATGAATAATAGTTTCTATAAATCCCAGTATGAATTAATTGA[G>A]CAATGTTTCAAAGTCATAGGTTTTACAATGGAGGTAAGTATGAAAGACACTTGAACTTCT-3'
Protein context (NP_059129.3, residues 571-591): SFYKSQYELI[Glu581=]QCFKVIGFTM

ClinVar aggregate classification (germline): Benign/Likely benign. Review status: criteria provided, multiple submitters, no conflicts (2 of 4 stars). 8 submissions from 8 submitters: Benign (6); Likely benign (2). Last evaluated 2026-02-02.

Conditions:
Autosomal recessive nonsyndromic hearing loss 30. Identifiers: Orphanet 90636, MedGen C1846784, MONDO:0011774, OMIM 607101.

Allele frequency attached by ClinVar (database versions not stated): 1000 Genomes Project 0.05731; 1000 Genomes Project 30x 0.05840; gnomAD exomes 0.08605 and 0.10548; ExAC 0.08835; TOPMed 0.09384; gnomAD 0.09706 and 0.10116; ESP Exome Variant Server 0.10585.
gnomAD v4.1: 166,439 of 1,595,078 alleles (10%); highest among the groups gnomAD compares: Non-Finnish European, 12%; 9,691 homozygotes.

Submissions (8):

Labcorp Genetics (formerly Invitae), Labcorp
Classification: Benign. Last evaluated: 2026-02-02. Review status: criteria provided, single submitter. Criteria: Invitae Variant Classification Sherloc (09022015). Collection method: clinical testing. Allele origin: germline.

Blueprint Genetics
Classification: Benign. Last evaluated: 2024-11-27. Review status: criteria provided, single submitter. Criteria: ACMG Guidelines, 2015. Collection method: clinical testing. Allele origin: germline.

Mayo Clinic Laboratories, Mayo Clinic
Classification: Benign. Last evaluated: 2021-02-19. Review status: criteria provided, single submitter. Criteria: ACMG Guidelines, 2015. Collection method: clinical testing. Allele origin: germline. Observed: 35 variant alleles.

Illumina Laboratory Services, Illumina
Classification: Likely benign for Autosomal recessive nonsyndromic hearing loss 30. Last evaluated: 2018-01-12. Review status: criteria provided, single submitter. Criteria: ICSL Variant Classification Criteria 13 December 2019. Collection method: clinical testing. Allele origin: germline.
Comment: This variant was observed in the ICSL laboratory as part of a predisposition screen in an ostensibly healthy population. It had not been previously curated by ICSL or reported in the Human Gene Mutation Database (HGMD: prior to June 1st, 2018), and was therefore a candidate for classification through an automated scoring system. Utilizing variant allele frequency, disease prevalence and penetrance estimates, and inheritance mode, an automated score was calculated to assess if this variant is too frequent to cause the disease. Based on the score and internal cut-off values, a variant classified as likely benign is not then subjected to further curation. The score for this variant resulted in a classification of likely benign for this disease.

GeneDx
Classification: Benign. Last evaluated: 2017-05-09. Review status: criteria provided, single submitter. Criteria: GeneDx Variant Classification (06012015). Collection method: clinical testing. Allele origin: germline. Affected: yes.
Comment: This variant is considered likely benign or benign based on one or more of the following criteria: it is a conservative change, it occurs at a poorly conserved position in the protein, it is predicted to be benign by multiple in silico algorithms, and/or has population frequency not consistent with disease.

Laboratory for Molecular Medicine, Mass General Brigham Personalized Medicine
Classification: Benign. Last evaluated: 2012-05-07. Review status: criteria provided, single submitter. Criteria: LMM Criteria. Collection method: clinical testing. Allele origin: germline. Observed: 273 variant alleles.
Comment: "Glu581Glu in Exon 17 of MYO3A: This variant is not expected to have clinical si gnificance because it does not alter an amino acid residue, is not located withi n the splice consensus sequence, and has been identified in 11.6% (813/7016) of European American chromosomes from a broad population by the NHLBI Exome Sequenc ing Project (dbSNP rs41279908)."

Breakthrough Genomics
Classification: Likely benign. Review status: criteria provided, single submitter. Criteria: ACMG Guidelines, 2015. Collection method: not provided. Allele origin: germline. Inheritance: Autosomal recessive inheritance. Affected: yes.

PreventionGenetics, part of Exact Sciences
Classification: Benign. Review status: criteria provided, single submitter. Criteria: ACMG Guidelines, 2015. Collection method: clinical testing. Allele origin: germline.